The following is an entry in ClinVar:

ClinVar aggregate classification (germline): Uncertain significance (1 of 4 stars; one submission).

Conditions:
SOX5-related disorder. Also called: SOX5-related condition.

Allele frequency attached by ClinVar (database versions not stated): gnomAD exomes below 0.00001.
gnomAD v4.1: 2 of 1,614,108 alleles (0.00012%); highest among the groups gnomAD compares: East Asian, 0.0022%; no homozygotes.

Submission:

PreventionGenetics, part of Exact Sciences
Classification: Uncertain significance for SOX5-related condition. Last evaluated: 2023-03-07. Review status: criteria provided, single submitter. Criteria: ACMG Guidelines, 2015. Collection method: clinical testing. Allele origin: germline.
Comment: The SOX5 c.225A>G variant is not predicted to result in an amino acid change (p.=). This variant is predicted to alter splicing based on available splicing prediction programs (Alamut Visual v2.11). However, such computer prediction programs are imperfect. To our knowledge, this variant has not been reported in the literature or in a large population database, indicating this variant is rare. At this time, the clinical significance of this variant is uncertain due to the absence of conclusive functional and genetic evidence.

NM_006940.6(SOX5):c.225A>G (p.Gln75=)

Gene: SOX5 (SRY-box transcription factor 5; minus strand). Cytogenetic location: 12p12.1.
Variant type: single nucleotide variant.
Coding change: c.225A>G on transcript NM_006940.6 (MANE Select); coding-DNA position 225, A replaced by G.
Protein change: p.Gln75=; no amino-acid change (glutamine 75 retained).
Molecular consequence: synonymous variant. On other transcripts: intron variant (1).
Genome position (GRCh38, 1-based): chr12:23,895,838, T>C on the plus strand (A>G on the coding strand, the complement: SOX5 is on the minus strand). VCF-style: chr12-23895838-T-C. GRCh37 (hg19) VCF-style: chr12-24048772-T-C.
Other names: c.186A>G, p.Gln62= (NM_001261414.3, NM_152989.5); c.195A>G, p.Gln65= (NM_001261415.3); c.165+60A>G (NM_001330785.2).
Identifiers: ClinVar variation 2630597 (VCV002630597.1), dbSNP rs2505485887, ClinGen allele CA479113665.